The following is an entry in ClinVar:

NM_004714.3(DYRK1B):c.975T>C (p.Ile325=)

Gene: DYRK1B (dual specificity tyrosine phosphorylation regulated kinase 1B; minus strand). Cytogenetic location: 19q13.2.
Variant type: single nucleotide variant.
Coding change: c.975T>C on transcript NM_004714.3 (MANE Select); coding-DNA position 975, T replaced by C.
Protein change: p.Ile325=; no amino-acid change (isoleucine 325 retained).
Molecular consequence: synonymous variant.
Genome position (GRCh38, 1-based): chr19:39,827,405, A>G on the plus strand (T>C on the coding strand, the complement: DYRK1B is on the minus strand). VCF-style: chr19-39827405-A-G. GRCh37 (hg19) VCF-style: chr19-40318045-A-G.
Other names: c.975T>C, p.Ile325= (NM_006483.3, NM_006484.3).
Identifiers: ClinVar variation 4986901 (VCV004986901.1).
Genomic context (GRCh38, chr19:39,827,405, plus strand): 5'-CTTGCGAGCCTTGGGCGCCTGGTCCAGCATGGCGGCCGGTGGGATGCCCAGCACCTCCAC[A>G]ATGCGGTTCATCTGGTCGACCTGTGAGCAGGCAGGGGTCAAGGTCATCAGGCCAGCCAGG-3'
Protein context (NP_004705.1, residues 315-335): GSNEVDQMNR[Ile325=]VEVLGIPPAA

ClinVar aggregate classification (germline): Likely benign (1 of 4 stars; one submission).

Conditions:
DYRK1B-related disorder. Also called: DYRK1B-related condition.

Submission:

PreventionGenetics, part of Exact Sciences
Classification: Likely benign for DYRK1B-related condition. Last evaluated: 2024-12-02. Review status: criteria provided, single submitter. Criteria: ACMG Guidelines, 2015. Collection method: clinical testing. Allele origin: germline.
Comment: This variant is classified as likely benign based on ACMG/AMP sequence variant interpretation guidelines (Richards et al. 2015 PMID: 25741868, with internal and published modifications).